The following is an entry in ClinVar:

ClinVar aggregate classification (germline): Uncertain significance (1 of 4 stars; one submission).

Allele frequency attached by ClinVar (database versions not stated): TOPMed 0.00002; gnomAD 0.00003.
gnomAD v4.1: 32 of 1,613,924 alleles (0.002%); highest among the groups gnomAD compares: Non-Finnish European, 0.0023%; no homozygotes.

Submission:

Labcorp Genetics (formerly Invitae), Labcorp
Classification: Uncertain significance. Last evaluated: 2025-09-03. Review status: criteria provided, single submitter. Criteria: Invitae Variant Classification Sherloc (09022015). Collection method: clinical testing. Allele origin: germline.
Comment: This sequence change replaces arginine, which is basic and polar, with histidine, which is basic and polar, at codon 574 of the TCF3 protein (p.Arg574His). This variant is present in population databases (rs749950119, gnomAD 0.01%). This variant has not been reported in the literature in individuals affected with TCF3-related conditions. ClinVar contains an entry for this variant (Variation ID: 1372256). Invitae Evidence Modeling of protein sequence and biophysical properties (such as structural, functional, and spatial information, amino acid conservation, physicochemical variation, residue mobility, and thermodynamic stability) indicates that this missense variant is not expected to disrupt TCF3 protein function with a negative predictive value of 80%. Experimental studies have shown that this missense change does not substantially affect TCF3 function (PMID: 36576946). In summary, the available evidence is currently insufficient to determine the role of this variant in disease. Therefore, it has been classified as a Variant of Uncertain Significance.

Literature cited by the submitters: PubMed 36576946.

NM_003200.5(TCF3):c.1721G>A (p.Arg574His)

Gene: TCF3 (transcription factor 3; minus strand). Cytogenetic location: 19p13.3.
Variant type: single nucleotide variant.
Coding change: c.1721G>A on transcript NM_003200.5 (MANE Select); coding-DNA position 1721, G replaced by A.
Protein change: p.Arg574His; replaces arginine 574 with histidine.
Molecular consequence: missense variant. On other transcripts: intron variant (2).
Genome position (GRCh38, 1-based): chr19:1,615,386, C>T on the plus strand (G>A on the coding strand, the complement: TCF3 is on the minus strand). VCF-style: chr19-1615386-C-T. GRCh37 (hg19) VCF-style: chr19-1615385-C-T.
Other names: c.1718G>A, p.Arg573His (NM_001351778.2); c.1586+300G>A (NM_001136139.4, NM_001351779.2); short protein forms R574H, R573H.
Identifiers: ClinVar variation 1372256 (VCV001372256.8), dbSNP rs749950119, ClinGen allele CA9049644.
Genomic context (GRCh38, chr19:1,615,386, plus strand): 5'-TGGTGCAGGATGAGCAGTTTGGTCTGGGGCTTCTCGCTGTTGAGGTGCAGTTGGCACATG[C>T]GCCCCAGCTCCTTAAAGGCCTCGTTGATGTCACGGACCCGCAGCCGCTCCCGGGCGTTAT-3'
Protein context (NP_003191.1, residues 564-584): DINEAFKELG[Arg574His]MCQLHLNSEK